The following is an entry in ClinVar:

ClinVar aggregate classification (germline): Uncertain significance. Review status: criteria provided, single submitter (1 of 4 stars). 2 submissions from 2 submitters: Uncertain significance (1). 1 of the submissions does not count toward it. Last evaluated 2024-05-10.

Conditions:
DCDC2-related disorder. Also called: DCDC2-related condition.
Autosomal recessive nonsyndromic hearing loss 66 (DFNB66). Also called: Deafness, autosomal recessive 66. Identifiers: Orphanet 90636, MedGen C1857750, MONDO:0012442, OMIM 610212.
Isolated neonatal sclerosing cholangitis (NSC). Also called: Sclerosing cholangitis, neonatal. Identifiers: Orphanet 480556, MedGen C4479344, MONDO:0018816, OMIM 617394.
Nephronophthisis 19 (NPHP19). Identifiers: Orphanet 84081, MedGen C4015542, MONDO:0014537, OMIM 616217.

gnomAD v4.1: 2 of 1,614,052 alleles (0.00012%); highest among the groups gnomAD compares: Middle Eastern, 0.033%; no homozygotes.

Submissions (2):

Fulgent Genetics
Classification: Uncertain significance for Autosomal recessive nonsyndromic hearing loss 66; Nephronophthisis 19; Isolated neonatal sclerosing cholangitis. Last evaluated: 2024-05-10. Review status: criteria provided, single submitter. Criteria: ACMG Guidelines, 2015. Collection method: clinical testing. Allele origin: germline.

PreventionGenetics, part of Exact Sciences
Classification: Uncertain significance for DCDC2-related condition. Last evaluated: 2024-06-01. Review status: no assertion criteria provided. Collection method: clinical testing. Allele origin: germline. Not counted in ClinVar's aggregate classification.
Comment: The DCDC2 c.836A>T variant is predicted to result in the amino acid substitution p.Lys279Ile. To our knowledge, this variant has not been reported in the literature or in a large population database, indicating this variant is rare. At this time, the clinical significance of this variant is uncertain due to the absence of conclusive functional and genetic evidence.

NM_016356.5(DCDC2):c.836A>T (p.Lys279Ile)

Gene: DCDC2 (doublecortin domain containing 2; minus strand). Cytogenetic location: 6p22.3.
Variant type: single nucleotide variant.
Coding change: c.836A>T on transcript NM_016356.5 (MANE Select); coding-DNA position 836, A replaced by T.
Protein change: p.Lys279Ile; replaces lysine 279 with isoleucine.
Molecular consequence: missense variant.
Genome position (GRCh38, 1-based): chr6:24,278,135, T>A on the plus strand (A>T on the coding strand, the complement: DCDC2 is on the minus strand). VCF-style: chr6-24278135-T-A. GRCh37 (hg19) VCF-style: chr6-24278363-T-A.
Other names: c.836A>T, p.Lys279Ile (NM_001195610.2); short protein forms K279I.
Identifiers: ClinVar variation 3353488 (VCV003353488.2).